The following is an entry in ClinVar:

ClinVar aggregate classification (germline): Uncertain significance (1 of 4 stars; one submission).

Conditions:
Idiopathic generalized epilepsy. Also called: EIG; Generalised epilepsy. Identifiers: MedGen C0270850, MONDO:0005579, OMIM 600669.

Submission:

Labcorp Genetics (formerly Invitae), Labcorp
Classification: Uncertain significance for Idiopathic generalized epilepsy. Last evaluated: 2022-03-19. Review status: criteria provided, single submitter. Criteria: Invitae Variant Classification Sherloc (09022015). Collection method: clinical testing. Allele origin: germline.
Comment: This variant is not present in population databases (gnomAD no frequency). This sequence change replaces glycine, which is neutral and non-polar, with arginine, which is basic and polar, at codon 174 of the RBFOX1 protein (p.Gly174Arg). This variant has not been reported in the literature in individuals affected with RBFOX1-related conditions. In summary, the available evidence is currently insufficient to determine the role of this variant in disease. Therefore, it has been classified as a Variant of Uncertain Significance. Algorithms developed to predict the effect of missense changes on protein structure and function (SIFT, PolyPhen-2, Align-GVGD) all suggest that this variant is likely to be disruptive. ClinVar contains an entry for this variant (Variation ID: 1044292).

NM_018723.4(RBFOX1):c.460G>C (p.Gly154Arg)

Gene: RBFOX1 (RNA binding fox-1 homolog 1; plus strand). Cytogenetic location: 16p13.3.
Variant type: single nucleotide variant.
Coding change: c.460G>C on transcript NM_018723.4 (MANE Select); coding-DNA position 460, G replaced by C.
Protein change: p.Gly154Arg; replaces glycine 154 with arginine.
Molecular consequence: missense variant.
Genome position (GRCh38, 1-based): chr16:7,587,292, G>C. VCF-style: chr16-7587292-G-C. GRCh37 (hg19) VCF-style: chr16-7637294-G-C.
Other names: c.460G>C, p.Gly154Arg (NM_001142333.2, NM_001142334.2, NM_001364800.2); c.589G>C, p.Gly197Arg (NM_001308117.1); c.520G>C, p.Gly174Arg (NM_145891.3, NM_145892.3, NM_145893.3); short protein forms G174R, G197R, G154R.
Identifiers: ClinVar variation 1044292 (VCV001044292.9), dbSNP rs2094181320, ClinGen allele CA394682752.